The following is an entry in ClinVar:

NM_001184880.2(PCDH19):c.487G>A (p.Val163Met)

Gene: PCDH19 (protocadherin 19; minus strand). Cytogenetic location: Xq22.1.
Variant type: single nucleotide variant.
Coding change: c.487G>A on transcript NM_001184880.2 (MANE Select); coding-DNA position 487, G replaced by A.
Protein change: p.Val163Met; replaces valine 163 with methionine.
Molecular consequence: missense variant.
Genome position (GRCh38, 1-based): chrX:100,408,111, C>T on the plus strand (G>A on the coding strand, the complement: PCDH19 is on the minus strand). VCF-style: chrX-100408111-C-T. GRCh37 (hg19) VCF-style: chrX-99663109-C-T.
Other names: c.487G>A, p.Val163Met (NM_001105243.2, NM_020766.3); short protein forms V163M.
Identifiers: ClinVar variation 2864815 (VCV002864815.3), dbSNP rs2520994022, ClinGen allele CA414009521.

ClinVar aggregate classification (germline): Uncertain significance (1 of 4 stars; one submission).

Conditions:
Developmental and epileptic encephalopathy, 9 (DEE9). Also called: JUBERG-HELLMAN SYNDROME; PCDH19-Related X-Linked Female-Limited Epilepsy with Mental Retardation; Early infantile epileptic encephalopathy 9; EPILEPSY, FEMALE-RESTRICTED, WITH MENTAL RETARDATION. Identifiers: Orphanet 101039, Orphanet 2076, MedGen C1848137, MONDO:0010246, OMIM 300088. Disease mechanism: loss of function.

Submission:

Labcorp Genetics (formerly Invitae), Labcorp
Classification: Uncertain significance for Developmental and epileptic encephalopathy, 9. Last evaluated: 2025-08-29. Review status: criteria provided, single submitter. Criteria: Invitae Variant Classification Sherloc (09022015). Collection method: clinical testing. Allele origin: germline.
Comment: This sequence change replaces valine, which is neutral and non-polar, with methionine, which is neutral and non-polar, at codon 163 of the PCDH19 protein (p.Val163Met). This variant is not present in population databases (gnomAD no frequency). This variant has not been reported in the literature in individuals affected with PCDH19-related conditions. ClinVar contains an entry for this variant (Variation ID: 2864815). Invitae Evidence Modeling of protein sequence and biophysical properties (such as structural, functional, and spatial information, amino acid conservation, physicochemical variation, residue mobility, and thermodynamic stability) has been performed for this missense variant. However, the output from this modeling did not meet the statistical confidence thresholds required to predict the impact of this variant on PCDH19 protein function. This variant disrupts the p.Val163 amino acid residue in PCDH19. Other variant(s) that disrupt this residue have been observed in individuals with PCDH19-related conditions (PMID: 27527380, 34331950), which suggests that this may be a clinically significant amino acid residue. In summary, the available evidence is currently insufficient to determine the role of this variant in disease. Therefore, it has been classified as a Variant of Uncertain Significance.

Literature cited by the submitters: PubMed 27527380; PubMed 34331950.